The following is an entry in ClinVar:

NM_001163809.2(WDR81):c.4602C>T (p.Thr1534=)

Gene: WDR81 (WD repeat domain 81; plus strand). Cytogenetic location: 17p13.3.
Variant type: single nucleotide variant.
Coding change: c.4602C>T on transcript NM_001163809.2 (MANE Select); coding-DNA position 4602, C replaced by T.
Protein change: p.Thr1534=; no amino-acid change (threonine 1534 retained).
Molecular consequence: synonymous variant.
Genome position (GRCh38, 1-based): chr17:1,733,639, C>T. VCF-style: chr17-1733639-C-T. GRCh37 (hg19) VCF-style: chr17-1636933-C-T.
Other names: c.993C>T, p.Thr331= (NM_001163673.2); c.921C>T, p.Thr307= (NM_001163811.2); c.1449C>T, p.Thr483= (NM_152348.4).
Identifiers: ClinVar variation 741172 (VCV000741172.22), dbSNP rs140513521, ClinGen allele CA8273614.

ClinVar aggregate classification (germline): Likely benign. Review status: criteria provided, multiple submitters, no conflicts (2 of 4 stars). 3 submissions from 3 submitters: Likely benign (2). 1 of the submissions does not count toward it. Last evaluated 2025-09-01.

Conditions:
Cerebellar ataxia, impaired intellectual development, and dysequilibrium syndrome 2. Also called: CEREBELLAR ATAXIA, MENTAL RETARDATION, AND DYSEQUILIBRIUM SYNDROME 2; CEREBELLAR ATAXIA AND MENTAL RETARDATION WITH OR WITHOUT QUADRUPEDAL LOCOMOTION 2; Cerebellar ataxia, intellectual disability, and dysequilibrium syndrome 2. Identifiers: Orphanet 1766, MedGen C2750234, MONDO:0012430, OMIM 610185.

Allele frequency attached by ClinVar (database versions not stated): TOPMed 0.00008; gnomAD exomes 0.00009 and 0.00012; 1000 Genomes Project 30x 0.00016; 1000 Genomes Project 0.00020; gnomAD 0.00004; ExAC 0.00014; ESP Exome Variant Server 0.00023.

Submissions (3):

CeGaT Center for Human Genetics Tuebingen
Classification: Likely benign. Last evaluated: 2025-09-01. Review status: criteria provided, single submitter. Criteria: CeGaT Center For Human Genetics Tuebingen Variant Classification Criteria Version 2. Collection method: clinical testing. Allele origin: germline. Affected: yes. Observed: 3 variant alleles.
Comment: WDR81: BP4, BP7

Labcorp Genetics (formerly Invitae), Labcorp
Classification: Likely benign. Last evaluated: 2018-04-25. Review status: criteria provided, single submitter. Criteria: Invitae Variant Classification Sherloc (09022015). Collection method: clinical testing. Allele origin: germline.

Service de Génétique Moléculaire, Hôpital Robert Debré
Classification: Likely benign for Cerebellar ataxia, impaired intellectual development, and dysequilibrium syndrome 2. Review status: no assertion criteria provided. Collection method: clinical testing. Allele origin: unknown. Affected: yes. Not counted in ClinVar's aggregate classification.